The following is an entry in ClinVar:

NM_001903.5(CTNNA1):c.2190C>T (p.Thr730=)

Gene: CTNNA1 (catenin alpha 1; plus strand). Cytogenetic location: 5q31.2.
Variant type: single nucleotide variant.
Coding change: c.2190C>T on transcript NM_001903.5 (MANE Select); coding-DNA position 2190, C replaced by T.
Protein change: p.Thr730=; no amino-acid change (threonine 730 retained).
Molecular consequence: synonymous variant.
Genome position (GRCh38, 1-based): chr5:138,930,652, C>T. VCF-style: chr5-138930652-C-T. GRCh37 (hg19) VCF-style: chr5-138266341-C-T.
Other names: c.2190C>T, p.Thr730= (NM_001290307.3, NM_001323982.2, NM_001323983.1 and 2 more transcripts); c.1881C>T, p.Thr627= (NM_001290309.3); c.1821C>T, p.Thr607= (NM_001290310.3); c.1080C>T, p.Thr360= (NM_001290312.1, NM_001323987.1, NM_001323988.1 and 17 more transcripts); c.2097C>T, p.Thr699= (NM_001323986.2); c.741C>T, p.Thr247= (NM_001324006.1, NM_001324007.1, NM_001324008.1 and 2 more transcripts); c.987C>T, p.Thr329= (NM_001324011.1); c.837C>T, p.Thr279= (NM_001324012.1, NM_001324013.1).
Identifiers: ClinVar variation 3773340 (VCV003773340.1).
Genomic context (GRCh38, chr5:138,930,652, plus strand): 5'-TGACATCATTGTGCTGGCCAAGCAGATGTGCATGATTATGATGGAGATGACAGACTTTAC[C>T]CGGTGAGCAGCACCCCGGCCCCACCAGGCTGCACAGGGGCTACTTTCTTCCCCACAGGTC-3'
Protein context (NP_001894.2, residues 720-740): CMIMMEMTDF[Thr730=]RGKGPLKNTS

ClinVar aggregate classification (germline): Benign (1 of 4 stars; one submission).

Conditions:
Hereditary diffuse gastric adenocarcinoma (HDGC). Also called: DIFFUSE GASTRIC AND LOBULAR BREAST CANCER SYNDROME. Identifiers: Orphanet 26106, MedGen C1708349, MONDO:0007648, OMIM 137215.

Submission:

Myriad Genetics, Inc.
Classification: Benign for Hereditary diffuse gastric adenocarcinoma. Last evaluated: 2024-10-14. Review status: criteria provided, single submitter. Criteria: Myriad Autosomal Dominant, Autosomal Recessive and X-Linked Classification Criteria (2023). Collection method: clinical testing. Allele origin: unknown.
Comment: This variant is considered benign. This variant is a silent/synonymous amino acid change and it is not expected to impact splicing.